The following is an entry in ClinVar:

NM_182914.3(SYNE2):c.20497G>A (p.Glu6833Lys)

Gene: SYNE2 (spectrin repeat containing nuclear envelope protein 2; plus strand). Cytogenetic location: 14q23.2.
Variant type: single nucleotide variant.
Coding change: c.20497G>A on transcript NM_182914.3 (MANE Select); coding-DNA position 20497, G replaced by A.
Protein change: p.Glu6833Lys; replaces glutamic acid 6833 with lysine.
Molecular consequence: missense variant.
Genome position (GRCh38, 1-based): chr14:64,225,026, G>A. VCF-style: chr14-64225026-G-A. GRCh37 (hg19) VCF-style: chr14-64691744-G-A.
Other names: c.20431G>A, p.Glu6811Lys (NM_015180.6); c.1063G>A, p.Glu355Lys (NM_182910.2); c.1444G>A, p.Glu482Lys (NM_182913.4); short protein forms E6833K, E355K, E482K, E6811K.
Identifiers: ClinVar variation 313666 (VCV000313666.16), dbSNP rs58154675, ClinGen allele CA7224903.

ClinVar aggregate classification (germline): Benign/Likely benign. Review status: criteria provided, multiple submitters, no conflicts (2 of 4 stars). 3 submissions from 3 submitters: Benign (2); Likely benign (1). Last evaluated 2026-01-26.

Conditions:
Emery-Dreifuss muscular dystrophy 5, autosomal dominant (EDMD5). Also called: EMERY-DREIFUSS MUSCULAR DYSTROPHY 5. Identifiers: Orphanet 261, MedGen C2751805, MONDO:0013072, OMIM 612999.

Allele frequency attached by ClinVar (database versions not stated): gnomAD 0.00030 and 0.00053; TOPMed 0.00056; gnomAD exomes 0.00073 and 0.00106; ExAC 0.00119; 1000 Genomes Project 0.00240.
gnomAD v4.1: 1,131 of 1,613,742 alleles (0.07%); highest among the groups gnomAD compares: East Asian, 2.1%; 9 homozygotes.

Submissions (3):

Labcorp Genetics (formerly Invitae), Labcorp
Classification: Benign for Emery-Dreifuss muscular dystrophy 5, autosomal dominant. Last evaluated: 2026-01-26. Review status: criteria provided, single submitter. Criteria: Invitae Variant Classification Sherloc (09022015). Collection method: clinical testing. Allele origin: germline.

Blueprint Genetics
Classification: Likely benign. Last evaluated: 2024-11-11. Review status: criteria provided, single submitter. Criteria: ACMG Guidelines, 2015. Collection method: clinical testing. Allele origin: germline.

Illumina Laboratory Services, Illumina
Classification: Benign for Emery-Dreifuss muscular dystrophy 5, autosomal dominant. Last evaluated: 2018-01-12. Review status: criteria provided, single submitter. Criteria: ICSL Variant Classification Criteria 13 December 2019. Collection method: clinical testing. Allele origin: germline.
Comment: This variant was observed in the ICSL laboratory as part of a predisposition screen in an ostensibly healthy population. It had not been previously curated by ICSL or reported in the Human Gene Mutation Database (HGMD: prior to June 1st, 2018), and was therefore a candidate for classification through an automated scoring system. Utilizing variant allele frequency, disease prevalence and penetrance estimates, and inheritance mode, an automated score was calculated to assess if this variant is too frequent to cause the disease. Based on the score and internal cut-off values, a variant classified as benign is not then subjected to further curation. The score for this variant resulted in a classification of benign for this disease.